The following is an entry in ClinVar:

ClinVar aggregate classification (germline): Uncertain significance. Review status: criteria provided, multiple submitters, no conflicts (2 of 4 stars). 2 submissions from 2 submitters: Uncertain significance (2). Last evaluated 2023-06-29.

Conditions:
Hereditary spastic paraplegia 75. Also called: Spastic paraplegia 75, autosomal recessive. Identifiers: Orphanet 459056, MedGen C4225250, MONDO:0014729, OMIM 616680.
Inborn genetic diseases. Identifiers: MedGen C0950123, MeSH D030342.

Allele frequency attached by ClinVar (database versions not stated): gnomAD 0.00001; TOPMed 0.00001; gnomAD exomes 0.00002; ExAC 0.00003.
gnomAD v4.1: 44 of 1,614,212 alleles (0.0027%); highest among the groups gnomAD compares: Middle Eastern, 0.033%; no homozygotes.

Submissions (2):

Labcorp Genetics (formerly Invitae), Labcorp
Classification: Uncertain significance for Hereditary spastic paraplegia 75. Last evaluated: 2023-06-29. Review status: criteria provided, single submitter. Criteria: Invitae Variant Classification Sherloc (09022015). Collection method: clinical testing. Allele origin: germline.
Comment: This variant has not been reported in the literature in individuals affected with MAG-related conditions. In summary, the available evidence is currently insufficient to determine the role of this variant in disease. Therefore, it has been classified as a Variant of Uncertain Significance. Advanced modeling of protein sequence and biophysical properties (such as structural, functional, and spatial information, amino acid conservation, physicochemical variation, residue mobility, and thermodynamic stability) performed at Invitae indicates that this missense variant is not expected to disrupt MAG protein function. ClinVar contains an entry for this variant (Variation ID: 1520737). This variant is present in population databases (rs201899456, gnomAD 0.003%). This sequence change replaces proline, which is neutral and non-polar, with serine, which is neutral and polar, at codon 380 of the MAG protein (p.Pro380Ser).

Ambry Genetics
Classification: Uncertain significance for Inborn genetic diseases. Last evaluated: 2021-09-01. Review status: criteria provided, single submitter. Criteria: Ambry Variant Classification Scheme 2023. Collection method: clinical testing. Allele origin: germline.

NM_002361.4(MAG):c.1138C>T (p.Pro380Ser)

Gene: MAG (myelin associated glycoprotein; plus strand). Cytogenetic location: 19q13.12.
Variant type: single nucleotide variant.
Coding change: c.1138C>T on transcript NM_002361.4 (MANE Select); coding-DNA position 1138, C replaced by T.
Protein change: p.Pro380Ser; replaces proline 380 with serine.
Molecular consequence: missense variant.
Genome position (GRCh38, 1-based): chr19:35,302,615, C>T. VCF-style: chr19-35302615-C-T. GRCh37 (hg19) VCF-style: chr19-35793518-C-T.
Other names: c.1063C>T, p.Pro355Ser (NM_001199216.2); c.1138C>T, p.Pro380Ser (NM_080600.3); c.1138C>T (NM_002361.3); short protein forms P355S, P380S.
Identifiers: ClinVar variation 1520737 (VCV001520737.5), dbSNP rs201899456, ClinGen allele CA9376181.